The following is an entry in ClinVar:

ClinVar aggregate classification (germline): Uncertain significance (1 of 4 stars; one submission).

gnomAD v4.1: 2 of 1,524,142 alleles (0.00013%); highest among the groups gnomAD compares: Admixed American, 0.0017%; no homozygotes.

Submission:

Labcorp Genetics (formerly Invitae), Labcorp
Classification: Uncertain significance. Last evaluated: 2025-06-09. Review status: criteria provided, single submitter. Criteria: Invitae Variant Classification Sherloc (09022015). Collection method: clinical testing. Allele origin: germline.
Comment: This sequence change replaces aspartic acid, which is acidic and polar, with histidine, which is basic and polar, at codon 46 of the GINS1 protein (p.Asp46His). This variant is present in population databases (rs757311933, gnomAD 0.003%). This variant has not been reported in the literature in individuals affected with GINS1-related conditions. An algorithm developed to predict the effect of missense changes on protein structure and function (PolyPhen-2) suggests that this variant is likely to be disruptive. In summary, the available evidence is currently insufficient to determine the role of this variant in disease. Therefore, it has been classified as a Variant of Uncertain Significance.

NM_021067.5(GINS1):c.136G>C (p.Asp46His)

Gene: GINS1 (GINS complex subunit 1; plus strand). Cytogenetic location: 20p11.21.
Variant type: single nucleotide variant.
Coding change: c.136G>C on transcript NM_021067.5 (MANE Select); coding-DNA position 136, G replaced by C.
Protein change: p.Asp46His; replaces aspartic acid 46 with histidine.
Molecular consequence: missense variant. On other transcripts: non-coding transcript variant (1), intron variant (1).
Genome position (GRCh38, 1-based): chr20:25,413,850, G>C. VCF-style: chr20-25413850-G-C. GRCh37 (hg19) VCF-style: chr20-25394486-G-C.
Other names: c.136G>C, p.Asp46His (NM_001410830.1); c.75+5955G>C (NM_001410831.1); short protein forms D46H.
Identifiers: ClinVar variation 4773991 (VCV004773991.1).